The following is an entry in ClinVar:

NM_001244710.2(GFPT1):c.739+1G>A

Gene: GFPT1 (glutamine--fructose-6-phosphate transaminase 1; minus strand). Cytogenetic location: 2p13.3.
Variant type: single nucleotide variant.
Coding change: c.739+1G>A on transcript NM_001244710.2 (MANE Select); the canonical splice donor site of the intron after coding-DNA position 739, G replaced by A.
Molecular consequence: splice donor variant. On other transcripts: intron variant (1).
Genome position (GRCh38, 1-based): chr2:69,354,258, C>T on the plus strand (G>A on the coding strand, the complement: GFPT1 is on the minus strand). VCF-style: chr2-69354258-C-T. GRCh37 (hg19) VCF-style: chr2-69581390-C-T.
Other names: c.685+231G>A (NM_002056.4).
Identifiers: ClinVar variation 1704522 (VCV001704522.1), dbSNP rs767107089, ClinGen allele CA1693791.

ClinVar aggregate classification (germline): Likely pathogenic (1 of 4 stars; one submission).

Conditions:
Congenital myasthenic syndrome (CMS). Also called: Congenital Myasthenic Syndromes. Identifiers: Orphanet 590, MedGen C0751882, MeSH D020294, MONDO:0018940.

Allele frequency attached by ClinVar (database versions not stated): gnomAD exomes below 0.00001; ExAC 0.00002.
gnomAD v4.1: 4 of 1,583,280 alleles (0.00025%); highest among the groups gnomAD compares: Middle Eastern, 0.017%; no homozygotes.

Submission:

Women's Health and Genetics/Laboratory Corporation of America, LabCorp
Classification: Likely pathogenic for Congenital myasthenic syndrome. Last evaluated: 2022-07-20. Review status: criteria provided, single submitter. Criteria: LabCorp Variant Classification Summary - May 2015. Collection method: clinical testing. Allele origin: germline.
Comment: Variant summary: GFPT1 c.739+1G>A is located in a canonical splice-site and is predicted to affect mRNA splicing resulting in a significantly altered protein due to either exon skipping, shortening, or inclusion of intronic material. Several computational tools predict a significant impact on normal splicing: Two predict the variant abolishes the canonical 5' splicing donor site. However, these predictions have yet to be confirmed by functional studies. The variant allele was found at a frequency of 4.6e-06 in 218688 control chromosomes (gnomAD). To our knowledge, no occurrence of c.739+1G>A in individuals affected with Congenital Myasthenic Syndrome and no experimental evidence demonstrating its impact on protein function have been reported. No clinical diagnostic laboratories have submitted clinical-significance assessments for this variant to ClinVar after 2014. Based on the evidence outlined above, the variant was classified as likely pathogenic.